The following is an entry in ClinVar:

ClinVar aggregate classification (germline): Pathogenic (1 of 4 stars; one submission).

Conditions:
Lynch syndrome 5 (LYNCH5). Also called: Colorectal cancer, hereditary nonpolyposis, type 5; Hereditary non-polyposis colorectal cancer, type 5. Identifiers: Orphanet 144, MedGen C1833477, MONDO:0013710, OMIM 614350. Disease mechanism: loss of function.

Allele frequency attached by ClinVar (database versions not stated): gnomAD exomes below 0.00001.

Submission:

Myriad Genetics, Inc.
Classification: Pathogenic for Lynch syndrome 5. Last evaluated: 2023-08-21. Review status: criteria provided, single submitter. Criteria: Myriad Autosomal Dominant, Autosomal Recessive and X-Linked Classification Criteria (2023). Collection method: clinical testing. Allele origin: unknown.
Comment: This variant is considered pathogenic. This variant creates a frameshift predicted to result in premature protein truncation.

NM_000179.3(MSH6):c.2926_2929dup (p.Tyr977fs)

Gene: MSH6 (mutS homolog 6; plus strand). Cytogenetic location: 2p16.3.
Variant type: Duplication.
Coding change: c.2926_2929dup on transcript NM_000179.3 (MANE Select); coding-DNA positions 2926 to 2929, 4 bases duplicated (CGTT; older notation c.2926_2929dupCGTT).
Protein change: p.Tyr977fs; shifts the reading frame from tyrosine 977.
Molecular consequence: frameshift variant. On other transcripts: non-coding transcript variant (5), intron variant (2).
Genome position (GRCh38, 1-based): chr2:47,800,909-47,800,912, CGTT duplicated. VCF-style (leftmost placement, unchanged base first): chr2-47800908-C-CCGTT. GRCh37 (hg19) VCF-style: chr2-48028047-C-CCGTT.
Other names: c.2629_2632dup, p.Tyr878fs (NM_001406824.1, NM_001406825.1, NM_001406827.1 and 10 more transcripts); c.2758_2761dup, p.Tyr921fs (NM_001406826.1); c.2020_2023dup, p.Tyr675fs (NM_001406829.1, NM_001281493.2, NM_001281494.2 and 6 more transcripts); c.871_874dup, p.Tyr292fs (NM_001407362.1); c.2308+618_2308+621dup (NM_001406803.1); c.1606+1320_1606+1323dup (NM_001406817.1); c.2536_2539dup, p.Tyr847fs (NM_001281492.2); c.3022_3025dup, p.Tyr1009fs (NM_001406795.1, NM_001406802.1); and 4 more; short protein forms Y1009fs, Y292fs, Y675fs, Y802fs, Y847fs, Y878fs, Y921fs, Y951fs.
Identifiers: ClinVar variation 2673666 (VCV002673666.1), dbSNP rs2530702172, ClinGen allele CA2586964846.